The following is an entry in ClinVar:

ClinVar aggregate classification (germline): Conflicting classifications of pathogenicity. Review status: criteria provided, conflicting classifications (1 of 4 stars). 4 submissions from 4 submitters: Pathogenic (1); Likely pathogenic (2); Uncertain significance (1). Last evaluated 2024-03-01.

Conditions:
Junctional epidermolysis bullosa with pyloric atresia. Also called: Junctional Epidermolysis Bullosa- Pyloric Atresia Syndrome; EPIDERMOLYSIS BULLOSA, JUNCTIONAL 5B, WITH PYLORIC ATRESIA; Epidermolysis bullosa, junctional, with pyloric atresia and aplasia cutis congenita; Epidermolysis bullosa junctionalis with pyloric atresia; APLASIA CUTIS CONGENITA WITH GASTROINTESTINAL ATRESIA; CARMI SYNDROME. Identifiers: Orphanet 79403, MedGen C5676875, MONDO:0009183, OMIM 226730.
Epidermolysis bullosa, junctional 5A, intermediate. Also called: EPIDERMOLYSIS BULLOSA, JUNCTIONAL 5A, GENERALIZED INTERMEDIATE; EPIDERMOLYSIS BULLOSA, JUNCTIONAL 5A, NON-HERLITZ TYPE. Identifiers: MedGen C5676956, MONDO:0030768, OMIM 619816.

Submissions (4):

GeneDx
Classification: Uncertain significance. Last evaluated: 2024-03-01. Review status: criteria provided, single submitter. Criteria: GeneDx Variant Classification Process June 2021. Collection method: clinical testing. Allele origin: germline. Affected: yes.
Comment: Frameshift variant predicted to result in protein truncation or nonsense mediated decay in a gene for which loss of function is a known mechanism of disease; Has not been previously published as pathogenic or benign to our knowledge

Labcorp Genetics (formerly Invitae), Labcorp
Classification: Pathogenic. Last evaluated: 2023-12-09. Review status: criteria provided, single submitter. Criteria: Invitae Variant Classification Sherloc (09022015). Collection method: clinical testing. Allele origin: germline.
Comment: This sequence change creates a premature translational stop signal (p.Glu1628Argfs*4) in the ITGB4 gene. It is expected to result in an absent or disrupted protein product. Loss-of-function variants in ITGB4 are known to be pathogenic (PMID: 11328943, 16473856). This variant is present in population databases (no rsID available, gnomAD 0.0009%). This variant has not been reported in the literature in individuals affected with ITGB4-related conditions. ClinVar contains an entry for this variant (Variation ID: 973871). For these reasons, this variant has been classified as Pathogenic.

Fulgent Genetics
Classification: Likely pathogenic for Junctional epidermolysis bullosa with pyloric atresia; Epidermolysis bullosa, junctional 5A, intermediate. Last evaluated: 2022-05-11. Review status: criteria provided, single submitter. Criteria: ACMG Guidelines, 2015. Collection method: clinical testing. Allele origin: unknown.

Johns Hopkins Genomics, Johns Hopkins University
Classification: Likely pathogenic for Junctional epidermolysis bullosa with pyloric atresia. Last evaluated: 2020-03-12. Review status: criteria provided, single submitter. Criteria: ACMG Guidelines, 2015. Collection method: clinical testing. Allele origin: germline.
Comment: ITGB4 c.5091delC is rare (<0.1%) in a large population dataset (gnomAD: 1/249182 total alleles; 0.0004%; no homozygotes) and has not been reported in the literature, to our knowledge. This frameshift variant results in a premature stop codon in exon 38 of 40 likely leading to nonsense-mediated decay and lack of protein production. We consider c.5091delC to be likely pathogenic.

Literature cited by the submitters: PubMed 11328943 (cited by Labcorp Genetics (formerly Invitae), Labcorp and Johns Hopkins Genomics, Johns Hopkins University); PubMed 16473856 (cited by Labcorp Genetics (formerly Invitae), Labcorp); PubMed 18955862 (cited by Johns Hopkins Genomics, Johns Hopkins University); PubMed 20301304 (cited by Johns Hopkins Genomics, Johns Hopkins University); PubMed 23496044 (cited by Johns Hopkins Genomics, Johns Hopkins University); PubMed 9792864 (cited by Johns Hopkins Genomics, Johns Hopkins University); PubMed 9892956 (cited by Johns Hopkins Genomics, Johns Hopkins University).

NM_000213.5(ITGB4):c.5091del (p.Glu1698fs)

Genes: GALK1 (galactokinase 1; minus strand), ITGB4 (integrin subunit beta 4; plus strand). Cytogenetic location: 17q25.1.
Variant type: Deletion.
Coding change: c.5091del on transcript NM_000213.5 (MANE Select); coding-DNA position 5091, one base deleted (C; older notation c.5091delC).
Protein change: p.Glu1698fs; shifts the reading frame from glutamic acid 1698.
Molecular consequence: frameshift variant. On other transcripts: intron variant (1).
Genome position (GRCh38, 1-based): chr17:75,756,980, C deleted; the last of 4 consecutive C bases (chr17:75,756,977-75,756,980); deleting any one gives the same sequence. VCF-style (leftmost placement, unchanged base first): chr17-75756976-GC-G. GRCh37 (hg19) VCF-style: chr17-73753057-GC-G.
Other names: c.5040del, p.Glu1681fs (NM_001005619.2); c.4881del, p.Glu1628fs (NM_001005731.3, NM_001321123.2); c.4731del, p.Glu1578fs (NM_001438834.1); c.*22+1057del (NM_001381985.1); c.5091del (NM_000213.3); short protein forms E1628fs, E1681fs, E1698fs, E1578fs.
Identifiers: ClinVar variation 973871 (VCV000973871.6), dbSNP rs1157557804, ClinGen allele CA627595919.